The following is an entry in ClinVar:

ClinVar aggregate classification (germline): Likely benign. Review status: criteria provided, multiple submitters, no conflicts (2 of 4 stars). 2 submissions from 2 submitters: Likely benign (2). Last evaluated 2018-08-14.

Allele frequency attached by ClinVar (database versions not stated): TOPMed 0.12088; gnomAD 0.12950; gnomAD exomes 0.15771; 1000 Genomes Project 30x 0.13278; 1000 Genomes Project 0.13483.

Submissions (2):

GeneDx
Classification: Likely benign. Last evaluated: 2018-08-14. Review status: criteria provided, single submitter. Criteria: GeneDx Variant Classification Process June 2021. Collection method: clinical testing. Allele origin: germline. Affected: yes.
Comment: This variant is associated with the following publications: (PMID: 15741483, 17376412, 21391883, 18192901, 19106782, 20010450, 20453482, 10768099)

Breakthrough Genomics
Classification: Likely benign. Review status: criteria provided, single submitter. Criteria: ACMG Guidelines, 2015. Collection method: not provided. Allele origin: germline. Inheritance: Unknown mechanism. Affected: yes.

NC_000023.11:g.114584047C>T

Gene: HTR2C (5-hydroxytryptamine receptor 2C; plus strand). Cytogenetic location: Xq23.
Variant type: single nucleotide variant.
Genome position: GRCh38 VCF-style: chrX-114584047-C-T. GRCh37 (hg19) VCF-style: chrX-113818520-C-T.
Identifiers: ClinVar variation 225992 (VCV000225992.6), dbSNP rs3813929, ClinGen allele CA10576193.
Genomic context (GRCh38, chrX:114,584,047, plus strand): 5'-GGCCCGGGGGCCACGTAATGCTGAGTGCTGATTGGCTGCTCTTGGCTCCTCCCCTCATCC[C>T]GCTTTTGGCCCAAGAGCGTGGTGCAGATTCACCCGCGCGAGGTAGGCGCTCTGGTGCTTG-3'